The following is an entry in ClinVar:

NM_006420.3(ARFGEF2):c.4526G>A (p.Arg1509His)

Gene: ARFGEF2 (ARF guanine nucleotide exchange factor 2; plus strand). Cytogenetic location: 20q13.13.
Variant type: single nucleotide variant.
Coding change: c.4526G>A on transcript NM_006420.3 (MANE Select); coding-DNA position 4526, G replaced by A.
Protein change: p.Arg1509His; replaces arginine 1509 with histidine.
Molecular consequence: missense variant.
Genome position (GRCh38, 1-based): chr20:49,018,900, G>A. VCF-style: chr20-49018900-G-A. GRCh37 (hg19) VCF-style: chr20-47635437-G-A.
Other names: short protein forms R1509H.
Identifiers: ClinVar variation 338703 (VCV000338703.11), dbSNP rs774033935, ClinGen allele CA9899249.

ClinVar aggregate classification (germline): Uncertain significance. Review status: criteria provided, multiple submitters, no conflicts (2 of 4 stars). 2 submissions from 2 submitters: Uncertain significance (2). Last evaluated 2023-10-03.

Conditions:
Periventricular heterotopia with microcephaly, autosomal recessive (ARPHM). Also called: PERIVENTRICULAR NODULAR HETEROTOPIA 2; Periventricular heterotopia with microcephaly. Identifiers: Orphanet 2149, MedGen C1842563, MONDO:0011966, OMIM 608097.

Allele frequency attached by ClinVar (database versions not stated): TOPMed 0.00002; gnomAD 0.00004.
gnomAD v4.1: 35 of 1,613,520 alleles (0.0022%); highest among the groups gnomAD compares: African/African-American, 0.0027%; no homozygotes.

Submissions (2):

Labcorp Genetics (formerly Invitae), Labcorp
Classification: Uncertain significance. Last evaluated: 2023-10-03. Review status: criteria provided, single submitter. Criteria: Invitae Variant Classification Sherloc (09022015). Collection method: clinical testing. Allele origin: germline.
Comment: This sequence change replaces arginine, which is basic and polar, with histidine, which is basic and polar, at codon 1509 of the ARFGEF2 protein (p.Arg1509His). This variant is present in population databases (rs774033935, gnomAD 0.004%). This variant has not been reported in the literature in individuals affected with ARFGEF2-related conditions. ClinVar contains an entry for this variant (Variation ID: 338703). An algorithm developed to predict the effect of missense changes on protein structure and function (PolyPhen-2) suggests that this variant is likely to be tolerated. In summary, the available evidence is currently insufficient to determine the role of this variant in disease. Therefore, it has been classified as a Variant of Uncertain Significance.

Illumina Laboratory Services, Illumina
Classification: Uncertain significance for Periventricular heterotopia with microcephaly, autosomal recessive. Last evaluated: 2018-01-12. Review status: criteria provided, single submitter. Criteria: ICSL Variant Classification Criteria 13 December 2019. Collection method: clinical testing. Allele origin: germline.